The following is an entry in ClinVar:

NM_000388.4(CASR):c.1256A>G (p.Asn419Ser)

Gene: CASR (calcium sensing receptor; plus strand). Cytogenetic location: 3q21.1.
Variant type: single nucleotide variant.
Coding change: c.1256A>G on transcript NM_000388.4 (MANE Select); coding-DNA position 1256, A replaced by G.
Protein change: p.Asn419Ser; replaces asparagine 419 with serine.
Molecular consequence: missense variant.
Genome position (GRCh38, 1-based): chr3:122,262,291, A>G. VCF-style: chr3-122262291-A-G. GRCh37 (hg19) VCF-style: chr3-121981138-A-G.
Other names: c.1256A>G, p.Asn419Ser (NM_001178065.2); short protein forms N419S.
Identifiers: ClinVar variation 3759091 (VCV003759091.3).
Genomic context (GRCh38, chr3:122,262,291, plus strand): 5'-AGAACATCAGCAGTGTCGAGACCCCTTACATAGATTACACGCATTTACGGATATCCTACA[A>G]TGTGTACTTAGCAGTCTACTCCATTGCCCACGCCTTGCAAGATATATATACCTGCTTACC-3'
Protein context (NP_000379.3, residues 409-429): IDYTHLRISY[Asn419Ser]VYLAVYSIAH

ClinVar aggregate classification (germline): Conflicting classifications of pathogenicity. Review status: criteria provided, conflicting classifications (1 of 4 stars). 2 submissions from 2 submitters: Likely pathogenic (1); Uncertain significance (1). Last evaluated 2026-02-01.

Conditions:
Familial hypocalciuric hypercalcemia (FHH). Also called: Familial benign hypercalcemia. Identifiers: Orphanet 405, MedGen C1809471, MONDO:0018458.
Autosomal dominant hypocalcemia 1 (HYPOC1). Also called: HYPOCALCEMIA, FAMILIAL. Identifiers: MedGen C3715128, MONDO:0011013, OMIM 601198.

Submissions (2):

Department of Endocrinology and Diabetes, Sir Charles Gairdner Hospital
Classification: Likely pathogenic for Autosomal dominant hypocalcemia 1. Last evaluated: 2026-02-01. Review status: criteria provided, single submitter. Criteria: ACMG Guidelines, 2015. Collection method: clinical testing. Allele origin: germline. Affected: yes. Observed: 3 variant alleles.
Comment: This CASR variant was classified as Likely Pathogenic according to ACMG/AMP 2015 guidelines (PMID:25741868). (PS3) Functional studies using a well-established IP-One ELISA signaling assay demonstrate constitutive activation of the calcium-sensing receptor (CASR), consistent with the known disease mechanism of CASR gain-of-function variants. (PM2) The variant is absent or extremely rare in population databases including gnomAD. (PP3) Multiple computational prediction tools support a deleterious effect on protein function. (PP2) Missense variants are a common disease mechanism in CASR and the gene has a low rate of benign missense variation. Taken together, these data support a classification of Likely Pathogenic.

Labcorp Genetics (formerly Invitae), Labcorp
Classification: Uncertain significance for Familial hypocalciuric hypercalcemia; Autosomal dominant hypocalcemia 1. Last evaluated: 2024-03-13. Review status: criteria provided, single submitter. Criteria: Invitae Variant Classification Sherloc (09022015). Collection method: clinical testing. Allele origin: germline.
Comment: This sequence change replaces asparagine, which is neutral and polar, with serine, which is neutral and polar, at codon 419 of the CASR protein (p.Asn419Ser). This variant is not present in population databases (gnomAD no frequency). This missense change has been observed in individual(s) with autosomal dominant hypocalcaemic hypercalciuria (PMID: 22422767). An algorithm developed to predict the effect of missense changes on protein structure and function (PolyPhen-2) suggests that this variant is likely to be disruptive. In summary, the available evidence is currently insufficient to determine the role of this variant in disease. Therefore, it has been classified as a Variant of Uncertain Significance.

Literature cited by the submitters: PubMed 22422767 (cited by Labcorp Genetics (formerly Invitae), Labcorp).